The following is an entry in ClinVar:

ClinVar aggregate classification (germline): Benign/Likely benign. Review status: criteria provided, multiple submitters, no conflicts (2 of 4 stars). 11 submissions from 11 submitters: Benign (3); Likely benign (3). 5 of the submissions do not count toward it. Last evaluated 2026-01-29.

Conditions:
CTNNA3-related disorder. Also called: CTNNA3-related condition.
Arrhythmogenic right ventricular dysplasia 13. Also called: ARRHYTHMOGENIC RIGHT VENTRICULAR CARDIOMYOPATHY 13; Arrhythmogenic right ventricular dysplasia, familial, 13. Identifiers: MedGen C3810138, MONDO:0000908, OMIM 615616.

Allele frequency attached by ClinVar (database versions not stated): 1000 Genomes Project 30x 0.00078; 1000 Genomes Project 0.00080; ESP Exome Variant Server 0.00146; gnomAD exomes 0.00154 and 0.00223; ExAC 0.00156; TOPMed 0.00158; gnomAD 0.00161 and 0.00170.
gnomAD v4.1: 3,423 of 1,594,024 alleles (0.21%); highest among the groups gnomAD compares: Non-Finnish European, 0.27%; 5 homozygotes.

Submissions (11):

Labcorp Genetics (formerly Invitae), Labcorp
Classification: Benign for Arrhythmogenic right ventricular dysplasia 13. Last evaluated: 2026-01-29. Review status: criteria provided, single submitter. Criteria: Invitae Variant Classification Sherloc (09022015). Collection method: clinical testing. Allele origin: germline.

Blueprint Genetics
Classification: Likely benign. Last evaluated: 2024-11-22. Review status: criteria provided, single submitter. Criteria: ACMG Guidelines, 2015. Collection method: clinical testing. Allele origin: germline.

Women's Health and Genetics/Laboratory Corporation of America, LabCorp
Classification: Benign. Last evaluated: 2023-04-04. Review status: criteria provided, single submitter. Criteria: LabCorp Variant Classification Summary - May 2015. Collection method: clinical testing. Allele origin: germline.

CeGaT Center for Human Genetics Tuebingen
Classification: Benign. Last evaluated: 2022-10-01. Review status: criteria provided, single submitter. Criteria: CeGaT Center For Human Genetics Tuebingen Variant Classification Criteria Version 2. Collection method: clinical testing. Allele origin: germline. Affected: yes. Observed: 2 variant alleles.
Comment: CTNNA3: BS1, BS2

GeneDx
Classification: Likely benign. Last evaluated: 2021-05-27. Review status: criteria provided, single submitter. Criteria: GeneDx Variant Classification Process June 2021. Collection method: clinical testing. Allele origin: germline. Affected: yes.

Breakthrough Genomics
Classification: Likely benign. Review status: criteria provided, single submitter. Criteria: ACMG Guidelines, 2015. Collection method: not provided. Allele origin: germline. Inheritance: Autosomal dominant inheritance. Affected: yes.

PreventionGenetics, part of Exact Sciences
Classification: Likely benign for CTNNA3-related condition. Last evaluated: 2020-01-22. Review status: no assertion criteria provided. Collection method: clinical testing. Allele origin: germline. Not counted in ClinVar's aggregate classification.
Comment: This variant is classified as likely benign based on ACMG/AMP sequence variant interpretation guidelines (Richards et al. 2015 PMID: 25741868, with internal and published modifications).

Clinical Genetics DNA and cytogenetics Diagnostics Lab, Erasmus MC, Erasmus Medical Center
Classification: Likely benign. Review status: no assertion criteria provided. Collection method: clinical testing. Allele origin: germline. Affected: yes. Study: VKGL Data-share Consensus. Not counted in ClinVar's aggregate classification.

Clinical Genetics, Academic Medical Center
Classification: Benign. Review status: no assertion criteria provided. Collection method: clinical testing. Allele origin: germline. Affected: yes. Study: VKGL Data-share Consensus. Not counted in ClinVar's aggregate classification.

Genome Diagnostics Laboratory, University Medical Center Utrecht
Classification: Benign. Review status: no assertion criteria provided. Collection method: clinical testing. Allele origin: germline. Affected: yes. Study: VKGL Data-share Consensus. Not counted in ClinVar's aggregate classification.

Joint Genome Diagnostic Labs from Nijmegen and Maastricht, Radboudumc and MUMC+
Classification: Likely benign. Review status: no assertion criteria provided. Collection method: clinical testing. Allele origin: germline. Affected: yes. Study: VKGL Data-share Consensus. Not counted in ClinVar's aggregate classification.

NM_013266.4(CTNNA3):c.580-8C>T

Gene: CTNNA3 (catenin alpha 3; minus strand). Cytogenetic location: 10q21.3.
Variant type: single nucleotide variant.
Coding change: c.580-8C>T on transcript NM_013266.4 (MANE Select); 8 bases into the intron before coding-DNA position 580, C replaced by T.
Molecular consequence: intron variant.
Genome position (GRCh38, 1-based): chr10:67,219,878, G>A on the plus strand (C>T on the coding strand, the complement: CTNNA3 is on the minus strand). VCF-style: chr10-67219878-G-A. GRCh37 (hg19) VCF-style: chr10-68979636-G-A.
Other names: c.580-8C>T (NM_001127384.3); c.616-8C>T (NM_001291133.2).
Identifiers: ClinVar variation 240874 (VCV000240874.49), dbSNP rs141983252, ClinGen allele CA5520541.
Genomic context (GRCh38, chr10:67,219,878, plus strand): 5'-AGTGAAGCTCGGGCTCCTGCAATTTCATCTCTCTGATTTGGAGATTTTAAGTCCTGAGAA[G>A]GTAAATAAAAAGAGTGGTATCTTACAATGGGTTATGGGAGAAAGACTTAAATTAAAAAGC-3'